The following is an entry in ClinVar:

NM_001008537.3(NEXMIF):c.1960dup (p.Ser654fs)

Gene: NEXMIF (neurite extension and migration factor; minus strand). Cytogenetic location: Xq13.3.
Variant type: Duplication.
Coding change: c.1960dup on transcript NM_001008537.3 (MANE Select); coding-DNA position 1960, one base duplicated (T; older notation c.1960dupT).
Protein change: p.Ser654fs; shifts the reading frame from serine 654.
Molecular consequence: frameshift variant.
Genome position (GRCh38, 1-based): chrX:74,742,597, A duplicated on the plus strand (T on the coding strand, the reverse complement: NEXMIF is on the minus strand); the first of 3 consecutive A bases (chrX:74,742,597-74,742,599); duplicating any one gives the same sequence. VCF-style (leftmost placement, unchanged base first): chrX-74742596-G-GA. GRCh37 (hg19) VCF-style: chrX-73962431-G-GA.
Other names: short protein forms S654fs.
Identifiers: ClinVar variation 3654357 (VCV003654357.2).

ClinVar aggregate classification (germline): Pathogenic (1 of 4 stars; one submission).

Submission:

Labcorp Genetics (formerly Invitae), Labcorp
Classification: Pathogenic. Last evaluated: 2024-05-23. Review status: criteria provided, single submitter. Criteria: Invitae Variant Classification Sherloc (09022015). Collection method: clinical testing. Allele origin: germline.
Comment: This sequence change creates a premature translational stop signal (p.Ser654Phefs*4) in the NEXMIF gene. It is expected to result in an absent or disrupted protein product. Loss-of-function variants in NEXMIF are known to be pathogenic (PMID: 23615299). This variant is not present in population databases (gnomAD no frequency). This variant has not been reported in the literature in individuals affected with NEXMIF-related conditions. For these reasons, this variant has been classified as Pathogenic.

Literature cited by the submitters: PubMed 23615299.